The following is an entry in ClinVar:

ClinVar aggregate classification (germline): Uncertain significance (1 of 4 stars; one submission).

Allele frequency attached by ClinVar (database versions not stated): gnomAD exomes below 0.00001; TOPMed below 0.00001; gnomAD 0.00001.
gnomAD v4.1: 2 of 1,613,594 alleles (0.00012%); highest among the groups gnomAD compares: Non-Finnish European, 0.00017%; no homozygotes.

Submission:

Labcorp Genetics (formerly Invitae), Labcorp
Classification: Uncertain significance. Last evaluated: 2022-04-05. Review status: criteria provided, single submitter. Criteria: Invitae Variant Classification Sherloc (09022015). Collection method: clinical testing. Allele origin: germline.
Comment: This sequence change replaces alanine, which is neutral and non-polar, with serine, which is neutral and polar, at codon 1293 of the CENPJ protein (p.Ala1293Ser). This variant is not present in population databases (gnomAD no frequency). This variant has not been reported in the literature in individuals affected with CENPJ-related conditions. Algorithms developed to predict the effect of missense changes on protein structure and function output the following: SIFT: "Tolerated"; PolyPhen-2: "Benign"; Align-GVGD: "Class C0". The serine amino acid residue is found in multiple mammalian species, which suggests that this missense change does not adversely affect protein function. In summary, the available evidence is currently insufficient to determine the role of this variant in disease. Therefore, it has been classified as a Variant of Uncertain Significance.

NM_018451.5(CPAP):c.3877G>T (p.Ala1293Ser)

Genes: CPAP (centrosome assembly and centriole elongation protein; minus strand), RNF17 (ring finger protein 17; plus strand). Cytogenetic location: 13q12.12.
Variant type: single nucleotide variant.
Coding change: c.3877G>T on transcript NM_018451.5 (MANE Select); coding-DNA position 3877, G replaced by T.
Protein change: p.Ala1293Ser; replaces alanine 1293 with serine.
Molecular consequence: missense variant. On other transcripts: non-coding transcript variant (2).
Genome position (GRCh38, 1-based): chr13:24,883,317, C>A on the plus strand (G>T on the coding strand, the complement: CPAP is on the minus strand). VCF-style: chr13-24883317-C-A. GRCh37 (hg19) VCF-style: chr13-25457455-C-A.
Other names: short protein forms A1293S.
Identifiers: ClinVar variation 1982690 (VCV001982690.4), dbSNP rs1452329994, ClinGen allele CA387594735.
Genomic context (GRCh38, chr13:24,883,317, plus strand): 5'-GACCGTTTGCATATACGGTTTTAACAGTGCCATCTGGGTATTCCCGTCTCTTGAACTGGG[C>A]AGTATGTAGTTCTCTTTGGCCATTATTAAACTCTATGAGTTTGTTGCCATCACTGTAAAA-3'
Protein context (NP_060921.3, residues 1283-1303): FNNGQRELHT[Ala1293Ser]QFKRREYPDG